The following is an entry in ClinVar:

ClinVar aggregate classification (germline): Uncertain significance (1 of 4 stars; one submission).

Conditions:
EGFR-related lung cancer (EGFR). Identifiers: MedGen CN130014.

gnomAD v4.1: 1 of 1,614,032 alleles (0.000062%); highest among the groups gnomAD compares: Non-Finnish European, 0.000085%; no homozygotes.

Submission:

Labcorp Genetics (formerly Invitae), Labcorp
Classification: Uncertain significance for EGFR-related lung cancer. Last evaluated: 2024-09-17. Review status: criteria provided, single submitter. Criteria: Invitae Variant Classification Sherloc (09022015). Collection method: clinical testing. Allele origin: germline.
Comment: This sequence change replaces valine, which is neutral and non-polar, with glycine, which is neutral and non-polar, at codon 168 of the EGFR protein (p.Val168Gly). This variant is not present in population databases (gnomAD no frequency). This variant has not been reported in the literature in individuals affected with EGFR-related conditions. An algorithm developed to predict the effect of missense changes on protein structure and function (PolyPhen-2) suggests that this variant is likely to be disruptive. In summary, the available evidence is currently insufficient to determine the role of this variant in disease. Therefore, it has been classified as a Variant of Uncertain Significance.

NM_005228.5(EGFR):c.503T>G (p.Val168Gly)

Gene: EGFR (epidermal growth factor receptor; plus strand). Cytogenetic location: 7p11.2.
Variant type: single nucleotide variant.
Coding change: c.503T>G on transcript NM_005228.5 (MANE Select); coding-DNA position 503, T replaced by G.
Protein change: p.Val168Gly; replaces valine 168 with glycine.
Molecular consequence: missense variant. On other transcripts: intron variant (3).
Genome position (GRCh38, 1-based): chr7:55,146,684, T>G. VCF-style: chr7-55146684-T-G. GRCh37 (hg19) VCF-style: chr7-55214377-T-G.
Other names: c.503T>G, p.Val168Gly (NM_001346898.2, NM_201282.2, NM_201283.2 and 1 more transcripts); c.344T>G, p.Val115Gly (NM_001346900.2); c.424+3196T>G (NM_001346899.2, NM_001346897.2); c.89-9146T>G (NM_001346941.2); short protein forms V115G, V168G.
Identifiers: ClinVar variation 3711126 (VCV003711126.2).
Genomic context (GRCh38, chr7:55,146,684, plus strand): 5'-TGCGGTTCAGCAACAACCCTGCCCTGTGCAACGTGGAGAGCATCCAGTGGCGGGACATAG[T>G]CAGCAGTGACTTTCTCAGCAACATGTCGATGGACTTCCAGAACCACCTGGGCAGCTGTAA-3'
Protein context (NP_005219.2, residues 158-178): NVESIQWRDI[Val168Gly]SSDFLSNMSM